The following is an entry in ClinVar:

NM_002221.4(ITPKB):c.1381C>T (p.Pro461Ser)

Gene: ITPKB (inositol-trisphosphate 3-kinase B; minus strand). Cytogenetic location: 1q42.12.
Variant type: single nucleotide variant.
Coding change: c.1381C>T on transcript NM_002221.4 (MANE Select); coding-DNA position 1381, C replaced by T.
Protein change: p.Pro461Ser; replaces proline 461 with serine.
Molecular consequence: missense variant.
Genome position (GRCh38, 1-based): chr1:226,736,078, G>A on the plus strand (C>T on the coding strand, the complement: ITPKB is on the minus strand). VCF-style: chr1-226736078-G-A. GRCh37 (hg19) VCF-style: chr1-226923779-G-A.
Other names: c.1381C>T, p.Pro461Ser (NM_001388404.1); short protein forms P461S.
Identifiers: ClinVar variation 4689081 (VCV004689081.1).
Genomic context (GRCh38, chr1:226,736,078, plus strand): 5'-AGGGCAAAGGCTCCAGCATTCTGCCAGAAGGAATTCCCGCCTCCACATTCCCGGTCCCCG[G>A]CTGTGCTGAGGGGCTGCCCCCAAGCAAGCCCAGCGTTGGGGACCCTCCCTCCACTCTGTC-3'
Protein context (NP_002212.3, residues 451-471): GLLGGSPSAQ[Pro461Ser]GTGNVEAGIP

ClinVar aggregate classification (germline): Likely benign (1 of 4 stars; one submission).

gnomAD v4.1: 8,909 of 1,612,240 alleles (0.55%); highest among the groups gnomAD compares: Non-Finnish European, 0.66%; 38 homozygotes.

Submission:

Women's Health and Genetics/Laboratory Corporation of America, LabCorp
Classification: Likely benign. Last evaluated: 2026-01-29. Review status: criteria provided, single submitter. Criteria: LabCorp Variant Classification Summary - May 2015. Collection method: clinical testing. Allele origin: germline.
Comment: Variant summary: ITPKB c.1381C>T (p.Pro461Ser) results in a non-conservative amino acid change in the encoded protein sequence. Algorithms developed to predict the effect of missense changes on protein structure and function are either unavailable or do not agree on the potential impact of this missense change. The variant allele was found at a frequency of 0.004 in 247234 control chromosomes, predominantly at a frequency of 0.0057 within the Non-Finnish European subpopulation in the gnomAD database. The observed variant frequency within Non-Finnish European control individuals in the gnomAD database exceeds the estimated maximal expected allele frequency for disease-causing variants in ITPKB. To our knowledge, no occurrence of c.1381C>T in individuals affected with ITPKB-related conditions and no experimental evidence demonstrating its impact on protein function have been reported. No submitters have cited clinical-significance assessments for this variant to ClinVar. Based on the evidence outlined above, the variant was classified as likely benign.